The following is an entry in ClinVar:

ClinVar aggregate classification (germline): Likely benign. Review status: criteria provided, single submitter (1 of 4 stars). 2 submissions from 2 submitters: Likely benign (1). 1 of the submissions does not count toward it. Last evaluated 2025-04-23.

Conditions:
Bardet-Biedl syndrome (BBS). Identifiers: Orphanet 110, MedGen C0752166, MONDO:0015229.
BBS2-related disorder. Also called: BBS2-related condition; BBS2-related disorders. Identifiers: MedGen CN239228.

Allele frequency attached by ClinVar (database versions not stated): gnomAD exomes below 0.00001.
gnomAD v4.1: 4 of 1,614,122 alleles (0.00025%); highest among the groups gnomAD compares: Non-Finnish European, 0.00034%; no homozygotes.

Submissions (2):

Labcorp Genetics (formerly Invitae), Labcorp
Classification: Likely benign for Bardet-Biedl syndrome. Last evaluated: 2025-04-23. Review status: criteria provided, single submitter. Criteria: Invitae Variant Classification Sherloc (09022015). Collection method: clinical testing. Allele origin: germline.

PreventionGenetics, part of Exact Sciences
Classification: Likely benign for BBS2-related condition. Last evaluated: 2022-04-26. Review status: no assertion criteria provided. Collection method: clinical testing. Allele origin: germline. Not counted in ClinVar's aggregate classification.
Comment: This variant is classified as likely benign based on ACMG/AMP sequence variant interpretation guidelines (Richards et al. 2015 PMID: 25741868, with internal and published modifications).

NM_031885.5(BBS2):c.519T>C (p.Gly173=)

Gene: BBS2 (Bardet-Biedl syndrome 2; minus strand). Cytogenetic location: 16q13.
Variant type: single nucleotide variant.
Coding change: c.519T>C on transcript NM_031885.5 (MANE Select); coding-DNA position 519, T replaced by C.
Protein change: p.Gly173=; no amino-acid change (glycine 173 retained).
Molecular consequence: synonymous variant. On other transcripts: non-coding transcript variant (5).
Genome position (GRCh38, 1-based): chr16:56,510,874, A>G on the plus strand (T>C on the coding strand, the complement: BBS2 is on the minus strand). VCF-style: chr16-56510874-A-G. GRCh37 (hg19) VCF-style: chr16-56544786-A-G.
Other names: c.519T>C, p.Gly173= (NM_001377456.1); c.519T>C (NM_031885.3).
Identifiers: ClinVar variation 1958661 (VCV001958661.6), dbSNP rs2543732222, ClinGen allele CA495588119.